The following is an entry in ClinVar:

ClinVar aggregate classification (germline): Pathogenic. Review status: reviewed by expert panel (3 of 4 stars). 5 submissions from 5 submitters: Pathogenic (1). 4 of the submissions do not count toward it. Last evaluated 2017-12-15.

Conditions:
Gastric cancer. Also called: Stomach cancer; Malignant tumor of stomach. Identifiers: MedGen C0024623, MeSH D013274, MONDO:0001056, OMIM 613659, HP:0012126.
Hereditary breast ovarian cancer syndrome. Also called: Hereditary breast and ovarian cancer syndrome (HBOC); Hereditary breast and ovarian cancer syndrome; Hereditary breast and ovarian cancer; Hereditary breast and/or ovarian cancer syndrome; Breast and ovarian cancer; BRCA1- and BRCA2-Associated Hereditary Breast and Ovarian Cancer. Identifiers: Orphanet 145, MedGen C0677776, MeSH D061325, MONDO:0003582. Disease mechanism: loss of function.
Breast-ovarian cancer, familial, susceptibility to, 1 (BROVCA1). Also called: OVARIAN CANCER, SUSCEPTIBILITY TO; BRCA1 Hereditary Breast and Ovarian Cancer. Identifiers: Orphanet 145, MedGen C2676676, MONDO:0011450, OMIM 604370. Disease mechanism: loss of function.
Familial cancer of breast. Also called: Hereditary breast cancer; hereditary breast carcinoma; BREAST CANCER, FAMILIAL. Identifiers: Orphanet 227535, MedGen C0346153, MONDO:0016419, OMIM 114480. Disease mechanism: loss of function.

Allele frequency attached by ClinVar (database versions not stated): gnomAD exomes below 0.00001.

Submissions (5):

Evidence-based Network for the Interpretation of Germline Mutant Alleles (ENIGMA)
Classification: Pathogenic for Breast-ovarian cancer, familial, susceptibility to, 1. Last evaluated: 2017-12-15. Review status: reviewed by expert panel. Criteria: ENIGMA BRCA1/2 Classification Criteria (2017-06-29). Collection method: curation. Allele origin: germline. Study: ENIGMA.
Comment: Variant allele predicted to encode a truncated non-functional protein.

Women's Health and Genetics/Laboratory Corporation of America, LabCorp
Classification: Pathogenic for Hereditary breast ovarian cancer syndrome. Last evaluated: 2024-12-17. Review status: criteria provided, single submitter. Criteria: LabCorp Variant Classification Summary - May 2015. Collection method: clinical testing. Allele origin: germline. Not counted in ClinVar's aggregate classification.
Comment: Variant summary: BRCA1 c.2075_2076delAT (p.His692ArgfsX19) results in a premature termination codon, predicted to cause a truncation of the encoded protein or absence of the protein due to nonsense mediated decay, which are commonly known mechanisms for disease. The variant was absent in 251126 control chromosomes.c.2075_2076delAT has been reported in the literature in at least one individual affected with Hereditary Breast and Ovarian Cancer (Sekine_2001). The following publications have been ascertained in the context of this evaluation (PMID: 15375703, 10804288, 11595708, 21213370). ClinVar contains an entry for this variant (Variation ID: 54452). Based on the evidence outlined above, the variant was classified as pathogenic.

Labcorp Genetics (formerly Invitae), Labcorp
Classification: Pathogenic for Hereditary breast ovarian cancer syndrome. Last evaluated: 2023-08-19. Review status: criteria provided, single submitter. Criteria: Invitae Variant Classification Sherloc (09022015). Collection method: clinical testing. Allele origin: germline. Not counted in ClinVar's aggregate classification.
Comment: This premature translational stop signal has been observed in individual(s) with breast cancer, ovarian cancer, and/or pancreatic cancer (PMID: 11595708, 32980694). For these reasons, this variant has been classified as Pathogenic. ClinVar contains an entry for this variant (Variation ID: 54452). This variant is not present in population databases (gnomAD no frequency). This sequence change creates a premature translational stop signal (p.His692Argfs*19) in the BRCA1 gene. It is expected to result in an absent or disrupted protein product. Loss-of-function variants in BRCA1 are known to be pathogenic (PMID: 20104584).

Laboratory for Genotyping Development, RIKEN
Classification: Pathogenic for Gastric cancer. Last evaluated: 2021-07-01. Review status: no assertion criteria provided. Collection method: research. Allele origin: germline. Not counted in ClinVar's aggregate classification.

ClinVar Staff, National Center for Biotechnology Information (NCBI)
No classification provided. Condition: Familial cancer of breast. Review status: no classification provided. Collection method: literature only. Allele origin: germline. Affected: yes. Not counted in ClinVar's aggregate classification.

Literature cited by the submitters: PubMed 11595708 (cited by 3 submitters); PubMed 10804288 (cited by Women's Health and Genetics/Laboratory Corporation of America, LabCorp); PubMed 15375703 (cited by Women's Health and Genetics/Laboratory Corporation of America, LabCorp); PubMed 21213370 (cited by Women's Health and Genetics/Laboratory Corporation of America, LabCorp); PubMed 32980694 (cited by Labcorp Genetics (formerly Invitae), Labcorp); PubMed 20104584 (cited by Labcorp Genetics (formerly Invitae), Labcorp); PubMed 36988593 (cited by Laboratory for Genotyping Development, RIKEN).

NM_007294.4(BRCA1):c.2075_2076del (p.His692fs)

Gene: BRCA1 (BRCA1 DNA repair associated; minus strand). Cytogenetic location: 17q21.31.
Variant type: Deletion.
Coding change: c.2075_2076del on transcript NM_007294.4 (MANE Select); coding-DNA positions 2075 to 2076, 2 bases deleted (AT; older notation c.2075_2076delAT).
Protein change: p.His692fs; shifts the reading frame from histidine 692.
Molecular consequence: frameshift variant. On other transcripts: intron variant (137).
Genome position (GRCh38, 1-based): chr17:43,093,455-43,093,456, AT deleted on the plus strand (AT on the coding strand, the reverse complement: BRCA1 is on the minus strand). VCF-style (leftmost placement, unchanged base first): chr17-43093454-CAT-C. GRCh37 (hg19) VCF-style: chr17-41245471-CAT-C.
Other names: c.1811_1812del, p.His604fs (NM_001407926.1, NM_001407927.1, NM_001407928.1 and 9 more transcripts); c.1808_1809del, p.His603fs (NM_001407930.1, NM_001407931.1, NM_001407932.1 and 2 more transcripts); c.1952_1953del, p.His651fs (NM_001407937.1, NM_001407938.1, NM_001407939.1 and 19 more transcripts); c.1949_1950del, p.His650fs (NM_001407940.1, NM_001407941.1, NM_001407649.1 and 11 more transcripts); c.1934_1935del, p.His645fs (NM_001407942.1, NM_001407944.1, NM_001407945.1 and 29 more transcripts); c.1931_1932del, p.His644fs (NM_001407943.1, NM_001407964.1, NM_001407740.1 and 20 more transcripts); c.1742_1743del, p.His581fs (NM_001407946.1, NM_001407947.1, NM_001407948.1 and 6 more transcripts); c.1739_1740del, p.His580fs (NM_001407954.1, NM_001407955.1, NM_001407956.1 and 1 more transcripts); and 40 more; short protein forms H645fs, H692fs, H524fs, H564fs, H651fs, H665fs, H396fs, H581fs.
Identifiers: ClinVar variation 54452 (VCV000054452.26), dbSNP rs397508936, ClinGen allele CA001373.